The following is an entry in ClinVar:

NM_016077.5(PTRH2):c.269_270del (p.Ala90fs)

Genes: CLTC (clathrin heavy chain; plus strand), PTRH2 (peptidyl-tRNA hydrolase 2; minus strand). Cytogenetic location: 17q23.1.
Variant type: Deletion.
Coding change: c.269_270del on transcript NM_016077.5 (MANE Select); coding-DNA positions 269 to 270, 2 bases deleted (CT; older notation c.269_270delCT).
Protein change: p.Ala90fs; shifts the reading frame from alanine 90.
Molecular consequence: frameshift variant.
Genome position (GRCh38, 1-based): chr17:59,697,709-59,697,710, AG deleted on the plus strand (CT on the coding strand, the reverse complement: PTRH2 is on the minus strand). VCF-style (leftmost placement, unchanged base first): chr17-59697708-CAG-C. GRCh37 (hg19) VCF-style: chr17-57775069-CAG-C.
Other names: c.272_273del, p.Ala91fs (NM_001015509.3); short protein forms A90fs, A91fs.
Identifiers: ClinVar variation 183428 (VCV000183428.40), dbSNP rs786201017, ClinGen allele CA186105.

ClinVar aggregate classification (germline): Pathogenic. Review status: criteria provided, multiple submitters, no conflicts (2 of 4 stars). 4 submissions from 4 submitters: Pathogenic (2). 2 of the submissions do not count toward it. Last evaluated 2024-03-19.

Conditions:
Neurologic, endocrine, and pancreatic disease, multisystem, infantile-onset 1 (IMNEPD1). Identifiers: Orphanet 456312, MedGen C4015728, MONDO:8000012, OMIM 616263.

Submissions (4):

Institute of Medical Genetics and Applied Genomics, University Hospital Tübingen
Classification: Pathogenic for Neurologic, endocrine, and pancreatic disease, multisystem, infantile-onset 1. Last evaluated: 2024-03-19. Review status: criteria provided, single submitter. Criteria: ACMG Guidelines, 2015. Collection method: clinical testing. Allele origin: germline. Inheritance: Autosomal recessive inheritance. Affected: yes.

CeGaT Center for Human Genetics Tuebingen
Classification: Pathogenic. Last evaluated: 2023-09-01. Review status: criteria provided, single submitter. Criteria: CeGaT Center For Human Genetics Tuebingen Variant Classification Criteria Version 2. Collection method: clinical testing. Allele origin: germline. Affected: yes. Observed: 2 variant alleles.
Comment: PTRH2: PVS1:Strong, PM2, PM3, PP4, PS4:Supporting

Solve-RD Consortium
Classification: Likely pathogenic for Neurologic, endocrine, and pancreatic disease, multisystem, infantile-onset 1. Last evaluated: 2022-06-01. Review status: no assertion criteria provided. Collection method: provider interpretation. Allele origin: inherited. Affected: yes. Not counted in ClinVar's aggregate classification.
Comment: Variant confirmed as disease-causing by referring clinical team

Variant identified during reanalysis of unsolved cases by the Solve-RD project. The Solve-RD project has received funding from the European Union’s Horizon 2020 research and innovation programme under grant agreement No 779257.

OMIM
Classification: Pathogenic for NEUROLOGIC, ENDOCRINE, AND PANCREATIC DISEASE, MULTISYSTEM, INFANTILE-ONSET 1. Last evaluated: 2014-12-01. Review status: no assertion criteria provided. Collection method: literature only. Allele origin: germline. Not counted in ClinVar's aggregate classification.

Literature cited by the submitters: PubMed 39825153 (cited by Solve-RD Consortium); Hu, H., Matter, M. L., Issa-Jahns, L., Jijiwa, M., Kraemer, N., Musante, L., de la Vega, M., Ninnemann, O., Schindler, D., Damatova, N., Eirich, K., Sifringer, M., and 9 others Mutations in PTRH2 cause novel infantile-onset multisystem disease with intellectual disability, microcephaly, progressive ataxia, and muscle weakness. Ann. Clin. Transl. Neurol. 1: 1024-1035, 2014. (cited by OMIM).